The following is an entry in ClinVar:

NM_005120.3(MED12):c.4372G>C (p.Gly1458Arg)

Gene: MED12 (mediator complex subunit 12; plus strand). Cytogenetic location: Xq13.1.
Variant type: single nucleotide variant.
Coding change: c.4372G>C on transcript NM_005120.3 (MANE Select); coding-DNA position 4372, G replaced by C.
Protein change: p.Gly1458Arg; replaces glycine 1458 with arginine.
Molecular consequence: missense variant.
Genome position (GRCh38, 1-based): chrX:71,132,495, G>C. VCF-style: chrX-71132495-G-C. GRCh37 (hg19) VCF-style: chrX-70352345-G-C.
Other names: short protein forms G1458R.
Identifiers: ClinVar variation 213626 (VCV000213626.2), dbSNP rs863223698, ClinGen allele CA324043.

ClinVar aggregate classification (germline): Uncertain significance (1 of 4 stars; one submission).

Submission:

GeneDx
Classification: Uncertain significance. Last evaluated: 2014-12-29. Review status: criteria provided, single submitter. Criteria: GeneDx Variant Classification (06012015). Collection method: clinical testing. Allele origin: germline. Affected: yes.
Comment: p.Gly1458Arg (GGT>CGT): c.4372 G>C in exon 31 of the MED12 gene (NM_005120.2) The G1458R variant of unknown significance in the MED12 gene has not been published as a mutation or been reported as a benign polymorphism to our knowledge. The G1458R variant was not observed in approximately 6000 individuals of European and African American ancestry in the NHLBI Exome Sequencing Project, indicating it is not a common benign variant in these populations. The G1458R variant is a non-conservative amino acid substitution, which is likely to impact secondary protein structure as these residues differ in polarity, charge, size and/or other properties. In silico analysis predicts this variant is probably damaging to the protein structure/function. Nevertheless, this substitution occurs at a position that is not conserved across species. Furthermore, no missense mutations in nearby residues have been reported in association with MED12-related disorders. Therefore, based on the currently available information, it is unclear whether this variant is a pathogenic mutation or a rare benign variant. This variant was found in TAADV2-1